The following is an entry in ClinVar:

NM_000368.5(TSC1):c.2813+5C>T

Gene: TSC1 (TSC complex subunit 1; minus strand). Cytogenetic location: 9q34.13.
Variant type: single nucleotide variant.
Coding change: c.2813+5C>T on transcript NM_000368.5 (MANE Select); 5 bases into the intron after coding-DNA position 2813, C replaced by T.
Molecular consequence: intron variant.
Genome position (GRCh38, 1-based): chr9:132,897,418, G>A on the plus strand (C>T on the coding strand, the complement: TSC1 is on the minus strand). VCF-style: chr9-132897418-G-A. GRCh37 (hg19) VCF-style: chr9-135772805-G-A.
Other names: c.2450+5C>T (NM_001362177.2); c.2660+5C>T (NM_001162427.2); c.2810+5C>T (NM_001162426.2).
Identifiers: ClinVar variation 411276 (VCV000411276.16), dbSNP rs1060503223, ClinGen allele CA16612623.

ClinVar aggregate classification (germline): Conflicting classifications of pathogenicity. Review status: criteria provided, conflicting classifications (1 of 4 stars). 3 submissions from 3 submitters: Uncertain significance (2); Likely benign (1). Last evaluated 2025-05-27.

Conditions:
Tuberous sclerosis 1 (TSC1). Identifiers: Orphanet 805, MedGen C1854465, MONDO:0008612, OMIM 191100.
Tuberous sclerosis syndrome (TSC). Also called: Tuberous Sclerosis Complex; Tuberous sclerosis. Identifiers: Orphanet 805, MedGen C0041341, MONDO:0001734.
Hereditary cancer-predisposing syndrome. Also called: Hereditary neoplastic syndrome; Neoplastic Syndromes, Hereditary; Tumor predisposition; Hereditary Cancer Syndrome. Identifiers: Orphanet 140162, MedGen C0027672, MeSH D009386, MONDO:0015356.

Allele frequency attached by ClinVar (database versions not stated): TOPMed below 0.00001; gnomAD 0.00001.
gnomAD v4.1: 1 of 1,614,038 alleles (0.000062%); highest among the groups gnomAD compares: Admixed American, 0.0017%; no homozygotes.

Submissions (3):

Labcorp Genetics (formerly Invitae), Labcorp
Classification: Likely benign for Tuberous sclerosis 1. Last evaluated: 2025-05-27. Review status: criteria provided, single submitter. Criteria: Invitae Variant Classification Sherloc (09022015). Collection method: clinical testing. Allele origin: germline.

Ambry Genetics
Classification: Uncertain significance for Hereditary cancer-predisposing syndrome. Last evaluated: 2024-11-06. Review status: criteria provided, single submitter. Criteria: Ambry Variant Classification Scheme 2023. Collection method: clinical testing. Allele origin: germline.
Comment: The c.2813+5C>T intronic variant results from a C to T substitution 5 nucleotides after coding exon 19 in the TSC1 gene. This nucleotide position is not well conserved in available vertebrate species. In silico splice site analysis predicts that this alteration will not have any significant effect on splicing; ; however, direct evidence is insufficient at this time (Ambry internal data). Since supporting evidence is limited at this time, the clinical significance of this alteration remains unclear.

All of Us Research Program, National Institutes of Health
Classification: Uncertain significance for Tuberous sclerosis syndrome. Last evaluated: 2024-05-14. Review status: criteria provided, single submitter. Criteria: ACMG Guidelines, 2015. Collection method: clinical testing. Allele origin: germline. Inheritance: Autosomal dominant inheritance. Observed: 1 variant allele, 1 heterozygote.
Comment: This variant causes a C to T nucleotide substitution at the +5 position of intron 21 of the TSC1 gene. To our knowledge, RNA studies have not been reported for this variant. This variant has not been reported in individuals affected with TSC1-related disorders in the literature. This variant has not been identified in the general population by the Genome Aggregation Database (gnomAD). The available evidence is insufficient to determine the role of this variant in disease conclusively. Therefore, this variant is classified as a Variant of Uncertain Significance.

This study involves interpretation of variants in research participants for the purpose of population health screening. Participant phenotype was not available at the time of variant classification. Additional details can be found in publication PMID: 35346344, PMCID: PMC8962531